The following is an entry in ClinVar:

NM_022114.4(PRDM16):c.38-15C>T

Gene: PRDM16 (PR/SET domain 16; plus strand). Cytogenetic location: 1p36.32.
Variant type: single nucleotide variant.
Coding change: c.38-15C>T on transcript NM_022114.4 (MANE Select); 15 bases into the intron before coding-DNA position 38, C replaced by T.
Molecular consequence: intron variant.
Genome position (GRCh38, 1-based): chr1:3,186,110, C>T. VCF-style: chr1-3186110-C-T. GRCh37 (hg19) VCF-style: chr1-3102674-C-T.
Other names: c.38-15C>T (NM_199454.3).
Identifiers: ClinVar variation 227038 (VCV000227038.18), dbSNP rs9662053, ClinGen allele CA543676.
Genomic context (GRCh38, chr1:3,186,110, plus strand): 5'-CCCCGGCGCTCCCTGAGCTGTACACACTGGGTGGGGCACGTGCTGCAGAGGTTGACGCTG[C>T]GTTGTCTCCTTTAGGTGACGGTGACGTTGTAAATAATATGTATGAGCCCAACCGGGACCT-3'

ClinVar aggregate classification (germline): Benign. Review status: criteria provided, multiple submitters, no conflicts (2 of 4 stars). 8 submissions from 8 submitters: Benign (5). 3 of the submissions do not count toward it. Last evaluated 2026-01-25.

Conditions:
Left ventricular noncompaction 8 (LVNC8). Identifiers: Orphanet 154, Orphanet 54260, MedGen C3809288, MONDO:0014152, OMIM 615373.

Allele frequency attached by ClinVar (database versions not stated): ESP Exome Variant Server 0.00529; gnomAD 0.00628 and 0.00658; TOPMed 0.00690; 1000 Genomes Project 30x 0.00906; 1000 Genomes Project 0.00919.
gnomAD v4.1: 1,951 of 1,602,442 alleles (0.12%); highest among the groups gnomAD compares: African/African-American, 2.1%; 28 homozygotes.

Submissions (8):

Labcorp Genetics (formerly Invitae), Labcorp
Classification: Benign for Left ventricular noncompaction 8. Last evaluated: 2026-01-25. Review status: criteria provided, single submitter. Criteria: Invitae Variant Classification Sherloc (09022015). Collection method: clinical testing. Allele origin: germline.

Women's Health and Genetics/Laboratory Corporation of America, LabCorp
Classification: Benign. Last evaluated: 2023-08-19. Review status: criteria provided, single submitter. Criteria: LabCorp Variant Classification Summary - May 2015. Collection method: clinical testing. Allele origin: germline.

ARUP Laboratories, Molecular Genetics and Genomics, ARUP Laboratories
Classification: Benign. Last evaluated: 2022-12-21. Review status: criteria provided, single submitter. Criteria: ARUP Molecular Germline Variant Investigation Process 2024. Collection method: clinical testing. Allele origin: germline.

GeneDx
Classification: Benign. Last evaluated: 2016-11-21. Review status: criteria provided, single submitter. Criteria: GeneDx Variant Classification (06012015). Collection method: clinical testing. Allele origin: germline. Affected: yes.
Comment: This variant is considered likely benign or benign based on one or more of the following criteria: it is a conservative change, it occurs at a poorly conserved position in the protein, it is predicted to be benign by multiple in silico algorithms, and/or has population frequency not consistent with disease.

Laboratory for Molecular Medicine, Mass General Brigham Personalized Medicine
Classification: Benign. Last evaluated: 2014-11-24. Review status: criteria provided, single submitter. Criteria: LMM Criteria. Collection method: clinical testing. Allele origin: germline. Observed: 2 variant alleles.
Comment: 38-15C>T in intron 1 of PRDM16: This variant is not expected to have clinical si gnificance because it has been identified in 1.5% (65/4322) of African American chromosomes from a broad population by the NHLBI Exome Sequencing Project (dbSNP rs9662053).

Clinical Genetics DNA and cytogenetics Diagnostics Lab, Erasmus MC, Erasmus Medical Center
Classification: Benign. Review status: no assertion criteria provided. Collection method: clinical testing. Allele origin: germline. Affected: yes. Study: VKGL Data-share Consensus. Not counted in ClinVar's aggregate classification.

Clinical Genetics, Academic Medical Center
Classification: Benign. Review status: no assertion criteria provided. Collection method: clinical testing. Allele origin: germline. Affected: yes. Study: VKGL Data-share Consensus. Not counted in ClinVar's aggregate classification.

Joint Genome Diagnostic Labs from Nijmegen and Maastricht, Radboudumc and MUMC+
Classification: Benign. Review status: no assertion criteria provided. Collection method: clinical testing. Allele origin: germline. Affected: yes. Study: VKGL Data-share Consensus. Not counted in ClinVar's aggregate classification.